The following is an entry in ClinVar:

NM_003072.5(SMARCA4):c.290G>A (p.Gly97Glu)

Gene: SMARCA4 (SWI/SNF related BAF chromatin remodeling complex subunit ATPase 4; plus strand). Cytogenetic location: 19p13.2.
Variant type: single nucleotide variant.
Coding change: c.290G>A on transcript NM_003072.5 (MANE Select); coding-DNA position 290, G replaced by A.
Protein change: p.Gly97Glu; replaces glycine 97 with glutamic acid.
Molecular consequence: missense variant. On other transcripts: non-coding transcript variant (1).
Genome position (GRCh38, 1-based): chr19:10,985,340, G>A. VCF-style: chr19-10985340-G-A. GRCh37 (hg19) VCF-style: chr19-11096016-G-A.
Other names: c.290G>A, p.Gly97Glu (NM_001128844.3, NM_001128845.2, NM_001128846.2 and 6 more transcripts); short protein forms G97E.
Identifiers: ClinVar variation 3445993 (VCV003445993.1).
Genomic context (GRCh38, chr19:10,985,340, plus strand): 5'-AGTCCATGCATGAGAAGGGCATGTCGGACGACCCGCGCTACAACCAGATGAAAGGAATGG[G>A]GATGCGGTCAGGGGGCCATGCTGGGATGGGGCCCCCGCCCAGCCCCATGGACCAGCACTC-3'
Protein context (NP_003063.2, residues 87-107): DPRYNQMKGM[Gly97Glu]MRSGGHAGMG

ClinVar aggregate classification (germline): Uncertain significance (1 of 4 stars; one submission).

Conditions:
Hereditary cancer-predisposing syndrome. Also called: Tumor predisposition; Neoplastic Syndromes, Hereditary; Hereditary neoplastic syndrome; Hereditary Cancer Syndrome. Identifiers: Orphanet 140162, MedGen C0027672, MeSH D009386, MONDO:0015356.

Submission:

Ambry Genetics
Classification: Uncertain significance for Hereditary cancer-predisposing syndrome. Last evaluated: 2024-09-01. Review status: criteria provided, single submitter. Criteria: Ambry Variant Classification Scheme 2023. Collection method: clinical testing. Allele origin: germline.
Comment: The p.G97E variant (also known as c.290G>A), located in coding exon 2 of the SMARCA4 gene, results from a G to A substitution at nucleotide position 290. The glycine at codon 97 is replaced by glutamic acid, an amino acid with similar properties. This amino acid position is conserved. In addition, the in silico prediction for this alteration is inconclusive. Based on the available evidence, the clinical significance of this variant remains unclear.